The following is an entry in ClinVar:

NM_000135.4(FANCA):c.2965A>T (p.Met989Leu)

Gene: FANCA (FA complementation group A; minus strand). Cytogenetic location: 16q24.3.
Variant type: single nucleotide variant.
Coding change: c.2965A>T on transcript NM_000135.4 (MANE Select); coding-DNA position 2965, A replaced by T.
Protein change: p.Met989Leu; replaces methionine 989 with leucine.
Molecular consequence: missense variant.
Genome position (GRCh38, 1-based): chr16:89,758,593, T>A on the plus strand (A>T on the coding strand, the complement: FANCA is on the minus strand). VCF-style: chr16-89758593-T-A. GRCh37 (hg19) VCF-style: chr16-89825001-T-A.
Other names: c.2965A>T, p.Met989Leu (NM_001286167.3); short protein forms M989L.
Identifiers: ClinVar variation 4532870 (VCV004532870.1).
Genomic context (GRCh38, chr16:89,758,593, plus strand): 5'-GTCCTGTCCCTCCAGAGAACCCTAATACAGTGTGTGCTGCTAACCTTTGGTGGAAATCCA[T>A]CAGTGCGTTGACAAGAATGGTACACGCAGCCTGCAGGTCTCCGTCACAGCCCCCTGAAGC-3'
Protein context (NP_000126.2, residues 979-999): AACTILVNAL[Met989Leu]DFHQSSRSYD

ClinVar aggregate classification (germline): Uncertain significance (1 of 4 stars; one submission).

Submission:

Quest Diagnostics Nichols Institute San Juan Capistrano
Classification: Uncertain significance. Last evaluated: 2025-05-18. Review status: criteria provided, single submitter. Criteria: Quest Diagnostics criteria. Collection method: clinical testing. Allele origin: unknown.
Comment: The FANCA c.2965A>T (p.Met989Leu) variant has not been reported in individuals with FANCA-related conditions in the published literature. It also has not been reported in large, multi-ethnic general populations (Genome Aggregation Database). Analysis of this variant using bioinformatics tools for the prediction of the effect of amino acid changes on protein structure and function yielded predictions that this variant is benign. Based on the available information, we are unable to determine the clinical significance of this variant.